The following is an entry in ClinVar:

NM_005797.4(MPZL2):c.452T>C (p.Ile151Thr)

Gene: MPZL2 (myelin protein zero like 2; minus strand). Cytogenetic location: 11q23.3.
Variant type: single nucleotide variant.
Coding change: c.452T>C on transcript NM_005797.4 (MANE Select); coding-DNA position 452, T replaced by C.
Protein change: p.Ile151Thr; replaces isoleucine 151 with threonine.
Molecular consequence: missense variant.
Genome position (GRCh38, 1-based): chr11:118,260,186, A>G on the plus strand (T>C on the coding strand, the complement: MPZL2 is on the minus strand). VCF-style: chr11-118260186-A-G. GRCh37 (hg19) VCF-style: chr11-118130901-A-G.
Other names: c.452T>C, p.Ile151Thr (NM_144765.3); short protein forms I151T.
Identifiers: ClinVar variation 3392668 (VCV003392668.2).

ClinVar aggregate classification (germline): Uncertain significance. Review status: criteria provided, multiple submitters, no conflicts (2 of 4 stars). 2 submissions from 2 submitters: Uncertain significance (2). Last evaluated 2024-11-10.

Conditions:
Inborn genetic diseases. Identifiers: MedGen C0950123, MeSH D030342.

gnomAD v4.1: 117 of 1,613,964 alleles (0.0072%); highest among the groups gnomAD compares: Admixed American, 0.013%; no homozygotes.

Submissions (2):

Ambry Genetics
Classification: Uncertain significance for Inborn genetic diseases. Last evaluated: 2024-11-10. Review status: criteria provided, single submitter. Criteria: Ambry Variant Classification Scheme 2023. Collection method: clinical testing. Allele origin: germline.

GeneDx
Classification: Uncertain significance. Last evaluated: 2024-06-20. Review status: criteria provided, single submitter. Criteria: GeneDx Variant Classification Process June 2021. Collection method: clinical testing. Allele origin: germline. Affected: yes.
Comment: In silico analysis indicates that this missense variant does not alter protein structure/function; Has not been previously published as pathogenic or benign to our knowledge